The following is an entry in ClinVar:

NM_000388.4(CASR):c.1685G>C (p.Cys562Ser)

Gene: CASR (calcium sensing receptor; plus strand). Cytogenetic location: 3q21.1.
Variant type: single nucleotide variant.
Coding change: c.1685G>C on transcript NM_000388.4 (MANE Select); coding-DNA position 1685, G replaced by C.
Protein change: p.Cys562Ser; replaces cysteine 562 with serine.
Molecular consequence: missense variant.
Genome position (GRCh38, 1-based): chr3:122,282,189, G>C. VCF-style: chr3-122282189-G-C. GRCh37 (hg19) VCF-style: chr3-122001036-G-C.
Other names: c.1715G>C, p.Cys572Ser (NM_001178065.2); short protein forms C562S, C572S.
Identifiers: ClinVar variation 35781 (VCV000035781.4), dbSNP rs193922426, ClinGen allele CA213569.

ClinVar aggregate classification (germline): Conflicting classifications of pathogenicity. Review status: criteria provided, conflicting classifications (1 of 4 stars). 2 submissions from 2 submitters: Likely pathogenic (1); Uncertain significance (1). Last evaluated 2025-05-07.

Conditions:
Familial hypocalciuric hypercalcemia (FHH). Also called: Familial benign hypercalcemia. Identifiers: Orphanet 405, MedGen C1809471, MONDO:0018458.

Submissions (2):

Athena Diagnostics
Classification: Uncertain significance. Last evaluated: 2025-05-07. Review status: criteria provided, single submitter. Criteria: Athena Diagnostics Criteria. Collection method: clinical testing. Allele origin: unknown.
Comment: Available data are insufficient to determine the clinical significance of the variant at this time. This variant has not been reported in large, multi-ethnic general populations. Polyphen and MutationTaster predict this amino acid change may be damaging to the protein.

Women's Health and Genetics/Laboratory Corporation of America, LabCorp
Classification: Likely pathogenic for Familial Hypocalciuric Hypercalcemia. Last evaluated: 2011-08-18. Review status: criteria provided, single submitter. Criteria: LabCorp Variant Classification Summary - May 2015. Collection method: curation, clinical testing. Allele origin: germline. Inheritance: autosomal unknown. Affected: yes.
ClinVar note: Converted during submission from likely pathogenic to Likely pathogenic.